The following is an entry in ClinVar:

ClinVar aggregate classification (germline): Likely benign. Review status: criteria provided, multiple submitters, no conflicts (2 of 4 stars). 3 submissions from 3 submitters: Likely benign (3). Last evaluated 2026-01-24.

Conditions:
Autosomal recessive limb-girdle muscular dystrophy type 2J (LGMDR10). Also called: Limb-girdle muscular dystrophy, type 2J; MUSCULAR DYSTROPHY, LIMB-GIRDLE, AUTOSOMAL RECESSIVE 10. Identifiers: Orphanet 140922, MedGen C1837342, MONDO:0012127, OMIM 608807.
Dilated cardiomyopathy 1G (CMD1G). Identifiers: Orphanet 154, MedGen C1858763, MONDO:0011400, OMIM 604145.

Allele frequency attached by ClinVar (database versions not stated): gnomAD exomes 0.00002; TOPMed 0.00002; gnomAD 0.00004 and 0.00005; 1000 Genomes Project 30x 0.00016; 1000 Genomes Project 0.00020.
gnomAD v4.1: 41 of 1,607,606 alleles (0.0026%); highest among the groups gnomAD compares: Middle Eastern, 0.033%; 1 homozygote.

Submissions (3):

Labcorp Genetics (formerly Invitae), Labcorp
Classification: Likely benign for Dilated cardiomyopathy 1G; Autosomal recessive limb-girdle muscular dystrophy type 2J. Last evaluated: 2026-01-24. Review status: criteria provided, single submitter. Criteria: Invitae Variant Classification Sherloc (09022015). Collection method: clinical testing. Allele origin: germline.

Blueprint Genetics
Classification: Likely benign. Last evaluated: 2023-10-26. Review status: criteria provided, single submitter. Criteria: ACMG Guidelines, 2015. Collection method: clinical testing. Allele origin: germline.

Laboratory for Molecular Medicine, Mass General Brigham Personalized Medicine
Classification: Likely benign. Last evaluated: 2014-06-30. Review status: criteria provided, single submitter. Criteria: LMM Criteria. Collection method: clinical testing. Allele origin: germline. Observed: 1 variant allele.
Comment: 49408-11T>C in intron 241 of TTN: This variant is not expected to have clinical significance because a T>C change at this position does not diverge from the spl ice consensus sequence and is therefore unlikely to impact splicing.

NM_001267550.2(TTN):c.57112-11T>C

Genes: TTN-AS1 (TTN antisense RNA 1; plus strand), TTN (titin; minus strand). Cytogenetic location: 2q31.2.
Variant type: single nucleotide variant.
Coding change: c.57112-11T>C on transcript NM_001267550.2 (MANE Select); 11 bases into the intron before coding-DNA position 57112, T replaced by C.
Molecular consequence: intron variant.
Genome position (GRCh38, 1-based): chr2:178,598,069, A>G on the plus strand (T>C on the coding strand, the complement: TTN is on the minus strand). VCF-style: chr2-178598069-A-G. GRCh37 (hg19) VCF-style: chr2-179462796-A-G.
Other names: c.29917-11T>C (NM_003319.4); c.30493-11T>C (NM_133437.4); c.30292-11T>C (NM_133432.3); c.49408-11T>C (NM_133378.4); c.52189-11T>C (NM_001256850.1).
Identifiers: ClinVar variation 165956 (VCV000165956.14), dbSNP rs553667328, ClinGen allele CA178682.
Genomic context (GRCh38, chr2:178,598,069, plus strand): 5'-TTTAATCCTGTCACAACAAGCTTTGTTCCTCTCACTTCTTTATCTTTACCCTGGGGAGAA[A>G]TCATAGACATTTTATAATTAGAATAGTTCTTTGTAGCTTCTTGCTTTAATGGCTTCCTAA-3'